The following is an entry in ClinVar:

NM_001007237.3(IGSF3):c.3063C>G (p.Asp1021Glu)

Gene: IGSF3 (immunoglobulin superfamily member 3; minus strand). Cytogenetic location: 1p13.1.
Variant type: single nucleotide variant.
Coding change: c.3063C>G on transcript NM_001007237.3 (MANE Select); coding-DNA position 3063, C replaced by G.
Protein change: p.Asp1021Glu; replaces aspartic acid 1021 with glutamic acid.
Molecular consequence: missense variant.
Genome position (GRCh38, 1-based): chr1:116,579,663, G>C on the plus strand (C>G on the coding strand, the complement: IGSF3 is on the minus strand). VCF-style: chr1-116579663-G-C. GRCh37 (hg19) VCF-style: chr1-117122285-G-C.
Other names: c.3123C>G, p.Asp1041Glu (NM_001542.4); short protein forms D1021E, D1041E.
Identifiers: ClinVar variation 3041771 (VCV003041771.2), dbSNP rs114915440, ClinGen allele CA1026097.
Genomic context (GRCh38, chr1:116,579,663, plus strand): 5'-GACAGCATCTGGGCCCACGCTCAGCAGGGCCGTCCGCTCTGTTGGGTCGTCGTCGTCGTC[G>C]TCGTCCTCCTCCTCCTCCTCCTCCCTTTCCTCTTCCTGTTCTTCCAGGCCAGGGCTGCTC-3'
Protein context (NP_001007238.1, residues 1011-1031): EEREEEEEED[Asp1021Glu]DDDDDPTERT

ClinVar aggregate classification (germline): Benign (0 of 4 stars; one submission).

Conditions:
IGSF3-related disorder. Also called: IGSF3-related condition.

gnomAD v4.1: 5,988 of 1,564,050 alleles (0.38%); highest among the groups gnomAD compares: Admixed American, 2.1%; 28 homozygotes.

Submission:

PreventionGenetics, part of Exact Sciences
Classification: Benign for IGSF3-related condition. Last evaluated: 2019-09-26. Review status: no assertion criteria provided. Collection method: clinical testing. Allele origin: germline.
Comment: This variant is classified as benign based on ACMG/AMP sequence variant interpretation guidelines (Richards et al. 2015 PMID: 25741868, with internal and published modifications).